The following is an entry in ClinVar:

NM_020184.4(CNNM4):c.266A>G (p.Asn89Ser)

Gene: CNNM4 (cyclin and CBS domain divalent metal cation transport mediator 4; plus strand). Cytogenetic location: 2q11.2.
Variant type: single nucleotide variant.
Coding change: c.266A>G on transcript NM_020184.4 (MANE Select); coding-DNA position 266, A replaced by G.
Protein change: p.Asn89Ser; replaces asparagine 89 with serine.
Molecular consequence: missense variant.
Genome position (GRCh38, 1-based): chr2:96,761,265, A>G. VCF-style: chr2-96761265-A-G. GRCh37 (hg19) VCF-style: chr2-97427002-A-G.
Other names: short protein forms N89S.
Identifiers: ClinVar variation 937995 (VCV000937995.10), dbSNP rs2078758552, ClinGen allele CA347712692.

ClinVar aggregate classification (germline): Conflicting classifications of pathogenicity. Review status: criteria provided, conflicting classifications (1 of 4 stars). 2 submissions from 2 submitters: Uncertain significance (1); Likely benign (1). Last evaluated 2025-12-08.

Conditions:
Inborn genetic diseases. Identifiers: MedGen C0950123, MeSH D030342.

gnomAD v4.1: 7 of 1,614,038 alleles (0.00043%); highest among the groups gnomAD compares: Non-Finnish European, 0.00059%; no homozygotes.

Submissions (2):

Ambry Genetics
Classification: Likely benign for Inborn genetic diseases. Last evaluated: 2025-12-08. Review status: criteria provided, single submitter. Criteria: Ambry Variant Classification Scheme 2023. Collection method: clinical testing. Allele origin: germline.

Labcorp Genetics (formerly Invitae), Labcorp
Classification: Uncertain significance. Last evaluated: 2022-07-12. Review status: criteria provided, single submitter. Criteria: Invitae Variant Classification Sherloc (09022015). Collection method: clinical testing. Allele origin: germline.
Comment: This sequence change replaces asparagine, which is neutral and polar, with serine, which is neutral and polar, at codon 89 of the CNNM4 protein (p.Asn89Ser). This variant is not present in population databases (gnomAD no frequency). This variant has not been reported in the literature in individuals affected with CNNM4-related conditions. ClinVar contains an entry for this variant (Variation ID: 937995). Algorithms developed to predict the effect of missense changes on protein structure and function output the following: SIFT: "Tolerated"; PolyPhen-2: "Benign"; Align-GVGD: "Class C0". The serine amino acid residue is found in multiple mammalian species, which suggests that this missense change does not adversely affect protein function. In summary, the available evidence is currently insufficient to determine the role of this variant in disease. Therefore, it has been classified as a Variant of Uncertain Significance.